The following is an entry in ClinVar:

ClinVar aggregate classification (germline): Uncertain significance. Review status: criteria provided, multiple submitters, no conflicts (2 of 4 stars). 4 submissions from 4 submitters: Uncertain significance (4). Last evaluated 2025-02-24.

Conditions:
Familial thoracic aortic aneurysm and aortic dissection (TAAD). Also called: Thoracic aortic aneurysms and dissections. Identifiers: Orphanet 91387, MedGen C4707243, MONDO:0019625.
Ehlers-Danlos syndrome, kyphoscoliotic type 1 (EDSKSCL1). Also called: Ehlers-Danlos syndrome, hydroxylysine-deficient; EHLERS-DANLOS SYNDROME, OCULAR-SCOLIOTIC TYPE; PLOD1-Related Kyphoscoliotic Ehlers-Danlos Syndrome; EHLERS-DANLOS SYNDROME, TYPE VIA. Identifiers: Orphanet 1900, MedGen C0268342, MONDO:0016002, OMIM 225400. Disease mechanism: loss of function.

Allele frequency attached by ClinVar (database versions not stated): gnomAD 0.00001; TOPMed 0.00001; ExAC 0.00004; gnomAD exomes 0.00004.
gnomAD v4.1: 36 of 1,613,200 alleles (0.0022%); highest among the groups gnomAD compares: South Asian, 0.026%; no homozygotes.

Submissions (4):

Women's Health and Genetics/Laboratory Corporation of America, LabCorp
Classification: Uncertain significance. Last evaluated: 2025-02-24. Review status: criteria provided, single submitter. Criteria: LabCorp Variant Classification Summary - May 2015. Collection method: clinical testing. Allele origin: germline.
Comment: Variant summary: PLOD1 c.1063C>T (p.Arg355Trp) results in a non-conservative amino acid change located in the Nucleotide-diphospho-sugar transferases domain (IPR029044) of the encoded protein sequence. Three of five in-silico tools predict a benign effect of the variant on protein function. The variant allele was found at a frequency of 4e-05 in 250878 control chromosomes. This frequency is not significantly higher than estimated for a pathogenic variant in PLOD1 causing Ehlers-Danlos syndrome, kyphoscoliotic type 1, allowing no conclusion about variant significance. To our knowledge, no occurrence of c.1063C>T in individuals affected with PLOD1-related conditions and no experimental evidence demonstrating its impact on protein function have been reported. ClinVar contains an entry for this variant (Variation ID: 459801). Based on the evidence outlined above, the variant was classified as uncertain significance.

Ambry Genetics
Classification: Uncertain significance for Familial thoracic aortic aneurysm and aortic dissection. Last evaluated: 2025-01-10. Review status: criteria provided, single submitter. Criteria: Ambry Variant Classification Scheme 2023. Collection method: clinical testing. Allele origin: germline.
Comment: The p.R355W variant (also known as c.1063C>T), located in coding exon 10 of the PLOD1 gene, results from a C to T substitution at nucleotide position 1063. The arginine at codon 355 is replaced by tryptophan, an amino acid with dissimilar properties. This amino acid position is not well conserved in available vertebrate species. In addition, the in silico prediction for this alteration is inconclusive. Based on the available evidence, the clinical significance of this variant remains unclear.

Blueprint Genetics
Classification: Uncertain significance. Last evaluated: 2022-11-01. Review status: criteria provided, single submitter. Criteria: ACMG Guidelines, 2015. Collection method: clinical testing. Allele origin: germline.

Labcorp Genetics (formerly Invitae), Labcorp
Classification: Uncertain significance for Ehlers-Danlos syndrome, kyphoscoliotic type 1. Last evaluated: 2022-09-12. Review status: criteria provided, single submitter. Criteria: Invitae Variant Classification Sherloc (09022015). Collection method: clinical testing. Allele origin: germline.
Comment: This sequence change replaces arginine, which is basic and polar, with tryptophan, which is neutral and slightly polar, at codon 355 of the PLOD1 protein (p.Arg355Trp). This variant is present in population databases (rs775007891, gnomAD 0.03%). This variant has not been reported in the literature in individuals affected with PLOD1-related conditions. ClinVar contains an entry for this variant (Variation ID: 459801). Advanced modeling of protein sequence and biophysical properties (such as structural, functional, and spatial information, amino acid conservation, physicochemical variation, residue mobility, and thermodynamic stability) performed at Invitae indicates that this missense variant is not expected to disrupt PLOD1 protein function. Algorithms developed to predict the effect of sequence changes on RNA splicing suggest that this variant may disrupt the consensus splice site. In summary, the available evidence is currently insufficient to determine the role of this variant in disease. Therefore, it has been classified as a Variant of Uncertain Significance.

NM_000302.4(PLOD1):c.1063C>T (p.Arg355Trp)

Gene: PLOD1 (procollagen-lysine,2-oxoglutarate 5-dioxygenase 1; plus strand). Cytogenetic location: 1p36.22.
Variant type: single nucleotide variant.
Coding change: c.1063C>T on transcript NM_000302.4 (MANE Select); coding-DNA position 1063, C replaced by T.
Protein change: p.Arg355Trp; replaces arginine 355 with tryptophan.
Molecular consequence: missense variant.
Genome position (GRCh38, 1-based): chr1:11,960,733, C>T. VCF-style: chr1-11960733-C-T. GRCh37 (hg19) VCF-style: chr1-12020790-C-T.
Other names: c.1204C>T, p.Arg402Trp (NM_001316320.2); short protein forms R355W, R402W.
Identifiers: ClinVar variation 459801 (VCV000459801.10), dbSNP rs775007891, ClinGen allele CA598250.